The following is an entry in ClinVar:

NM_001253697.2(ERBIN):c.1044T>C (p.Thr348=)

Gene: ERBIN (erbb2 interacting protein; plus strand). Cytogenetic location: 5q12.3.
Variant type: single nucleotide variant.
Coding change: c.1044T>C on transcript NM_001253697.2 (MANE Select); coding-DNA position 1044, T replaced by C.
Protein change: p.Thr348=; no amino-acid change (threonine 348 retained).
Molecular consequence: synonymous variant.
Genome position (GRCh38, 1-based): chr5:66,026,325, T>C. VCF-style: chr5-66026325-T-C. GRCh37 (hg19) VCF-style: chr5-65322153-T-C.
Other names: c.1044T>C, p.Thr348= (NM_001006600.3, NM_001253698.2, NM_001253699.2 and 2 more transcripts); c.1044T>C (NM_001006600.2).
Identifiers: ClinVar variation 1602098 (VCV001602098.10), dbSNP rs753750805, ClinGen allele CA3286146.

ClinVar aggregate classification (germline): Likely benign. Review status: criteria provided, single submitter (1 of 4 stars). 2 submissions from 2 submitters: Likely benign (1). 1 of the submissions does not count toward it. Last evaluated 2025-10-14.

Conditions:
ERBIN-related disorder. Also called: ERBIN-related condition.

Allele frequency attached by ClinVar (database versions not stated): ExAC 0.00001; gnomAD 0.00001; TOPMed 0.00001.
gnomAD v4.1: 6 of 1,590,978 alleles (0.00038%); highest among the groups gnomAD compares: Non-Finnish European, 0.00051%; no homozygotes.

Submissions (2):

Labcorp Genetics (formerly Invitae), Labcorp
Classification: Likely benign. Last evaluated: 2025-10-14. Review status: criteria provided, single submitter. Criteria: Invitae Variant Classification Sherloc (09022015). Collection method: clinical testing. Allele origin: germline.

PreventionGenetics, part of Exact Sciences
Classification: Likely benign for ERBIN-related condition. Last evaluated: 2022-06-09. Review status: no assertion criteria provided. Collection method: clinical testing. Allele origin: germline. Not counted in ClinVar's aggregate classification.
Comment: This variant is classified as likely benign based on ACMG/AMP sequence variant interpretation guidelines (Richards et al. 2015 PMID: 25741868, with internal and published modifications).